The following is an entry in ClinVar:

NM_002334.4(LRP4):c.2609G>A (p.Gly870Asp)

Gene: LRP4 (LDL receptor related protein 4; minus strand). Cytogenetic location: 11p11.2.
Variant type: single nucleotide variant.
Coding change: c.2609G>A on transcript NM_002334.4 (MANE Select); coding-DNA position 2609, G replaced by A.
Protein change: p.Gly870Asp; replaces glycine 870 with aspartic acid.
Molecular consequence: missense variant.
Genome position (GRCh38, 1-based): chr11:46,883,874, C>T on the plus strand (G>A on the coding strand, the complement: LRP4 is on the minus strand). VCF-style: chr11-46883874-C-T. GRCh37 (hg19) VCF-style: chr11-46905425-C-T.
Other names: short protein forms G870D.
Identifiers: ClinVar variation 878116 (VCV000878116.12), dbSNP rs776260999, ClinGen allele CA5969849.

ClinVar aggregate classification (germline): Uncertain significance. Review status: criteria provided, multiple submitters, no conflicts (2 of 4 stars). 4 submissions from 4 submitters: Uncertain significance (4). Last evaluated 2025-08-21.

Conditions:
Sclerosteosis 2 (SOST2). Identifiers: Orphanet 3152, MedGen C3280402, MONDO:0013679, OMIM 614305.
Cenani-Lenz syndactyly syndrome. Also called: SYNDACTYLY, TYPE VII; CENANI SYNDACTYLISM. Identifiers: Orphanet 3258, MedGen C1859309, MONDO:0008931, OMIM 212780.
Congenital myasthenic syndrome 17. Identifiers: Orphanet 590, MedGen C4225377, MONDO:0014578, OMIM 616304.
Inborn genetic diseases. Identifiers: MedGen C0950123, MeSH D030342.

Allele frequency attached by ClinVar (database versions not stated): gnomAD 0.00001 and 0.00006; gnomAD exomes 0.00016 and 0.00002; ExAC 0.00003; TOPMed 0.00001.
gnomAD v4.1: 231 of 1,613,834 alleles (0.014%); highest among the groups gnomAD compares: East Asian, 0.51%; 4 homozygotes.

Submissions (4):

Labcorp Genetics (formerly Invitae), Labcorp
Classification: Uncertain significance for Cenani-Lenz syndactyly syndrome; Sclerosteosis 2; Congenital myasthenic syndrome 17. Last evaluated: 2025-08-21. Review status: criteria provided, single submitter. Criteria: Invitae Variant Classification Sherloc (09022015). Collection method: clinical testing. Allele origin: germline.
Comment: This sequence change replaces glycine, which is neutral and non-polar, with aspartic acid, which is acidic and polar, at codon 870 of the LRP4 protein (p.Gly870Asp). This variant is present in population databases (rs776260999, gnomAD 0.02%). This variant has not been reported in the literature in individuals affected with LRP4-related conditions. ClinVar contains an entry for this variant (Variation ID: 878116). Invitae Evidence Modeling of protein sequence and biophysical properties (such as structural, functional, and spatial information, amino acid conservation, physicochemical variation, residue mobility, and thermodynamic stability) indicates that this missense variant is not expected to disrupt LRP4 protein function with a negative predictive value of 80%. In summary, the available evidence is currently insufficient to determine the role of this variant in disease. Therefore, it has been classified as a Variant of Uncertain Significance.

Fulgent Genetics
Classification: Uncertain significance for Cenani-Lenz syndactyly syndrome; Sclerosteosis 2; Congenital myasthenic syndrome 17. Last evaluated: 2021-10-01. Review status: criteria provided, single submitter. Criteria: ACMG Guidelines, 2015. Collection method: clinical testing. Allele origin: unknown.

Ambry Genetics
Classification: Uncertain significance for Inborn genetic diseases. Last evaluated: 2021-06-18. Review status: criteria provided, single submitter. Criteria: Ambry Variant Classification Scheme 2023. Collection method: clinical testing. Allele origin: germline.

Illumina Laboratory Services, Illumina
Classification: Uncertain significance for Cenani-Lenz syndactyly syndrome. Last evaluated: 2018-01-13. Review status: criteria provided, single submitter. Criteria: ICSL Variant Classification Criteria 13 December 2019. Collection method: clinical testing. Allele origin: germline.